The following is an entry in ClinVar:

NM_001368067.1(LDB3):c.338C>T (p.Pro113Leu)

Genes: LDB3 (LIM domain binding 3; plus strand), LOC110121486 (VISTA enhancer hs2143; plus strand). Cytogenetic location: 10q23.2.
Variant type: single nucleotide variant.
Coding change: c.338C>T on transcript NM_001368067.1 (MANE Plus Clinical); coding-DNA position 338, C replaced by T.
Protein change: p.Pro113Leu; replaces proline 113 with leucine.
Molecular consequence: missense variant. On other transcripts: intron variant (7).
Genome position (GRCh38, 1-based): chr10:86,685,694, C>T. VCF-style: chr10-86685694-C-T. GRCh37 (hg19) VCF-style: chr10-88445451-C-T.
Other names: c.338C>T, p.Pro113Leu (NM_001080114.2, NM_001080116.1, NM_001368066.1 and 1 more transcripts); c.689+3891C>T (NM_001368064.1, NM_001368063.1, NM_007078.3 and 2 more transcripts); c.690-1375C>T (NM_001171610.2, NM_001171611.2); short protein forms P113L.
Identifiers: ClinVar variation 2875835 (VCV002875835.3), dbSNP rs2492626266, ClinGen allele CA377440954.
Genomic context (GRCh38, chr10:86,685,694, plus strand): 5'-CCTCTCTCTGACCACCCTGTCTTCTTTGCCCTTTTCCTCCCCAGGTGGTAGTCAACTCTC[C>T]AGCCAAGTTAGTATCAAAGGACAGCATGTGTGTGCGCTTGCGTGCCAGCCCCAGCATGTG-3'
Protein context (NP_001354996.1, residues 103-123): IPHQKVVVNS[Pro113Leu]ANADYQERFN

ClinVar aggregate classification (germline): Uncertain significance (1 of 4 stars; one submission).

Conditions:
Myofibrillar myopathy 4. Also called: Zaspopathy (type). Identifiers: Orphanet 98912, MedGen C4721886, MONDO:0012277, OMIM 609452.

Submission:

Labcorp Genetics (formerly Invitae), Labcorp
Classification: Uncertain significance for Myofibrillar myopathy 4. Last evaluated: 2023-05-22. Review status: criteria provided, single submitter. Criteria: Invitae Variant Classification Sherloc (09022015). Collection method: clinical testing. Allele origin: germline.
Comment: This sequence change replaces proline, which is neutral and non-polar, with leucine, which is neutral and non-polar, at codon 113 of the LDB3 protein (p.Pro113Leu). This variant is not present in population databases (gnomAD no frequency). This variant has not been reported in the literature in individuals affected with LDB3-related conditions. An algorithm developed to predict the effect of missense changes on protein structure and function (PolyPhen-2) suggests that this variant is likely to be tolerated. Algorithms developed to predict the effect of sequence changes on RNA splicing suggest that this variant may disrupt the consensus splice site. In summary, the available evidence is currently insufficient to determine the role of this variant in disease. Therefore, it has been classified as a Variant of Uncertain Significance.